The following is an entry in ClinVar:

ClinVar aggregate classification (germline): Benign/Likely benign. Review status: criteria provided, multiple submitters, no conflicts (2 of 4 stars). 5 submissions from 5 submitters: Benign (2); Likely benign (2). 1 of the submissions does not count toward it. Last evaluated 2026-07-01.

Conditions:
TSR2-related disorder. Also called: TSR2-related condition.
Inborn genetic diseases. Identifiers: MedGen C0950123, MeSH D030342.

Allele frequency attached by ClinVar (database versions not stated): 1000 Genomes Project 30x 0.00042; TOPMed 0.00010; gnomAD exomes 0.00012 and 0.00015; gnomAD 0.00014; ExAC 0.00019; 1000 Genomes Project 0.00026; ESP Exome Variant Server 0.00038.
gnomAD v4.1: 145 of 1,204,591 alleles (0.012%); highest among the groups gnomAD compares: Non-Finnish European, 0.014%; no homozygotes.

Submissions (5):

CeGaT Center for Human Genetics Tuebingen
Classification: Likely benign. Last evaluated: 2026-07-01. Review status: criteria provided, single submitter. Criteria: CeGaT Center For Human Genetics Tuebingen Variant Classification Criteria Version 2. Collection method: clinical testing. Allele origin: germline. Affected: yes. Observed: 3 variant alleles.
Comment: FGD1: BP4, BS2

Labcorp Genetics (formerly Invitae), Labcorp
Classification: Benign. Last evaluated: 2025-07-29. Review status: criteria provided, single submitter. Criteria: Invitae Variant Classification Sherloc (09022015). Collection method: clinical testing. Allele origin: germline.

Ambry Genetics
Classification: Likely benign for Inborn genetic diseases. Last evaluated: 2023-08-02. Review status: criteria provided, single submitter. Criteria: Ambry Variant Classification Scheme 2023. Collection method: clinical testing. Allele origin: germline.

Laboratory for Molecular Medicine, Mass General Brigham Personalized Medicine
Classification: Benign. Last evaluated: 2018-12-28. Review status: criteria provided, single submitter. Criteria: LMM Criteria. Collection method: clinical testing. Allele origin: germline. Observed: 1 variant allele.
Comment: c.2581-6C>T in intron 17 of FGD1: This variant is not expected to have clinical significance because it does not alter an amino acid residue, is not located within the splice consensus sequence, and has been identified in 0.03% (10/31616) of European chromosomes by the Exome Aggregation Consortium (ExAC; dbSNP rs368589817).

PreventionGenetics, part of Exact Sciences
Classification: Likely benign for TSR2-related condition. Last evaluated: 2023-07-12. Review status: no assertion criteria provided. Collection method: clinical testing. Allele origin: germline. Not counted in ClinVar's aggregate classification.
Comment: This variant is classified as likely benign based on ACMG/AMP sequence variant interpretation guidelines (Richards et al. 2015 PMID: 25741868, with internal and published modifications).

NM_004463.3(FGD1):c.2581-6C>T

Genes: FGD1 (FYVE, RhoGEF and PH domain containing 1; minus strand), TSR2 (TSR2 ribosome maturation factor; plus strand). Cytogenetic location: Xp11.22.
Variant type: single nucleotide variant.
Coding change: c.2581-6C>T on transcript NM_004463.3 (MANE Select); 6 bases into the intron before coding-DNA position 2581, C replaced by T.
Molecular consequence: intron variant. On other transcripts: 3 prime UTR variant (5).
Genome position (GRCh38, 1-based): chrX:54,446,420, G>A on the plus strand (C>T on the coding strand, the complement: FGD1 is on the minus strand). VCF-style: chrX-54446420-G-A. GRCh37 (hg19) VCF-style: chrX-54472853-G-A.
Other names: c.*1870G>A (NM_001346789.2, NM_001346790.2, NM_001346791.2 and 2 more transcripts).
Identifiers: ClinVar variation 786705 (VCV000786705.39), dbSNP rs368589817, ClinGen allele CA10424912.